The following is an entry in ClinVar:

NM_000497.4(CYP11B1):c.708G>T (p.Gln236His)

Genes: CYP11B1 (cytochrome P450 family 11 subfamily B member 1; minus strand), LOC106799833 (CYP11B1 recombination region; plus strand). Cytogenetic location: 8q24.3.
Variant type: single nucleotide variant.
Coding change: c.708G>T on transcript NM_000497.4 (MANE Select); coding-DNA position 708, G replaced by T.
Protein change: p.Gln236His; replaces glutamine 236 with histidine.
Molecular consequence: missense variant.
Genome position (GRCh38, 1-based): chr8:142,876,773, C>A on the plus strand (G>T on the coding strand, the complement: CYP11B1 is on the minus strand). VCF-style: chr8-142876773-C-A. GRCh37 (hg19) VCF-style: chr8-143958189-C-A.
Other names: c.708G>T, p.Gln236His (NM_001026213.1); short protein forms Q236H.
Identifiers: ClinVar variation 4991021 (VCV004991021.1).

ClinVar aggregate classification (germline): Uncertain significance (1 of 4 stars; one submission).

Conditions:
CYP11B1-related disorder. Also called: CYP11B1-related condition.

Submission:

PreventionGenetics, part of Exact Sciences
Classification: Uncertain significance for CYP11B1-related condition. Last evaluated: 2026-05-09. Review status: criteria provided, single submitter. Criteria: ACMG Guidelines, 2015. Collection method: clinical testing. Allele origin: germline.
Comment: The CYP11B1 c.708G>T variant is predicted to result in the amino acid substitution p.Gln236His. To our knowledge, this variant has not been reported in the literature or in a large population database (gnomAD), indicating this variant is rare. At this time, the clinical significance of this variant is uncertain due to the absence of conclusive functional and genetic evidence.